The following is an entry in ClinVar:

NM_014264.5(PLK4):c.1484A>G (p.Tyr495Cys)

Gene: PLK4 (polo like kinase 4; plus strand). Cytogenetic location: 4q28.1.
Variant type: single nucleotide variant.
Coding change: c.1484A>G on transcript NM_014264.5 (MANE Select); coding-DNA position 1484, A replaced by G.
Protein change: p.Tyr495Cys; replaces tyrosine 495 with cysteine.
Molecular consequence: missense variant.
Genome position (GRCh38, 1-based): chr4:127,889,890, A>G. VCF-style: chr4-127889890-A-G. GRCh37 (hg19) VCF-style: chr4-128811045-A-G.
Other names: c.1388A>G, p.Tyr463Cys (NM_001190799.2); c.1361A>G, p.Tyr454Cys (NM_001190801.2); short protein forms Y454C, Y495C, Y463C.
Identifiers: ClinVar variation 954313 (VCV000954313.4), dbSNP rs761773657, ClinGen allele CA3076787.

ClinVar aggregate classification (germline): Uncertain significance. Review status: criteria provided, multiple submitters, no conflicts (2 of 4 stars). 2 submissions from 2 submitters: Uncertain significance (2). Last evaluated 2022-10-17.

Conditions:
Inborn genetic diseases. Identifiers: MedGen C0950123, MeSH D030342.

Allele frequency attached by ClinVar (database versions not stated): gnomAD 0.00001; gnomAD exomes 0.00003 and 0.00007; TOPMed 0.00005; ExAC 0.00006.
gnomAD v4.1: 50 of 1,606,260 alleles (0.0031%); highest among the groups gnomAD compares: Admixed American, 0.024%; no homozygotes.

Submissions (2):

Labcorp Genetics (formerly Invitae), Labcorp
Classification: Uncertain significance. Last evaluated: 2022-10-17. Review status: criteria provided, single submitter. Criteria: Invitae Variant Classification Sherloc (09022015). Collection method: clinical testing. Allele origin: germline.
Comment: This sequence change replaces tyrosine, which is neutral and polar, with cysteine, which is neutral and slightly polar, at codon 495 of the PLK4 protein (p.Tyr495Cys). This variant is present in population databases (rs761773657, gnomAD 0.03%). This variant has not been reported in the literature in individuals affected with PLK4-related conditions. ClinVar contains an entry for this variant (Variation ID: 954313). Algorithms developed to predict the effect of missense changes on protein structure and function output the following: SIFT: "Tolerated"; PolyPhen-2: "Benign"; Align-GVGD: "Class C0". The cysteine amino acid residue is found in multiple mammalian species, which suggests that this missense change does not adversely affect protein function. In summary, the available evidence is currently insufficient to determine the role of this variant in disease. Therefore, it has been classified as a Variant of Uncertain Significance.

Ambry Genetics
Classification: Uncertain significance for Inborn genetic diseases. Last evaluated: 2021-08-09. Review status: criteria provided, single submitter. Criteria: Ambry Variant Classification Scheme 2023. Collection method: clinical testing. Allele origin: germline.